The following is an entry in ClinVar:

ClinVar aggregate classification (germline): Uncertain significance. Review status: criteria provided, multiple submitters, no conflicts (2 of 4 stars). 2 submissions from 2 submitters: Uncertain significance (2). Last evaluated 2025-12-03.

Allele frequency attached by ClinVar (database versions not stated): gnomAD 0.00001.
gnomAD v4.1: 8 of 1,614,128 alleles (0.0005%); highest among the groups gnomAD compares: African/African-American, 0.0053%; no homozygotes.

Submissions (2):

Labcorp Genetics (formerly Invitae), Labcorp
Classification: Uncertain significance. Last evaluated: 2025-12-03. Review status: criteria provided, single submitter. Criteria: Invitae Variant Classification Sherloc (09022015). Collection method: clinical testing. Allele origin: germline.
Comment: This sequence change replaces alanine, which is neutral and non-polar, with threonine, which is neutral and polar, at codon 227 of the LRRC10 protein (p.Ala227Thr). This variant is present in population databases (no rsID available, gnomAD 0.02%). This variant has not been reported in the literature in individuals affected with LRRC10-related conditions. ClinVar contains an entry for this variant (Variation ID: 1483153). An algorithm developed to predict the effect of missense changes on protein structure and function (PolyPhen-2) suggests that this variant is likely to be disruptive. In summary, the available evidence is currently insufficient to determine the role of this variant in disease. Therefore, it has been classified as a Variant of Uncertain Significance.

Ambry Genetics
Classification: Uncertain significance. Last evaluated: 2024-06-17. Review status: criteria provided, single submitter. Criteria: Ambry Variant Classification Scheme 2023. Collection method: clinical testing. Allele origin: germline.

NM_201550.4(LRRC10):c.679G>A (p.Ala227Thr)

Gene: LRRC10 (leucine rich repeat containing 10; minus strand). Cytogenetic location: 12q15.
Variant type: single nucleotide variant.
Coding change: c.679G>A on transcript NM_201550.4 (MANE Select); coding-DNA position 679, G replaced by A.
Protein change: p.Ala227Thr; replaces alanine 227 with threonine.
Molecular consequence: missense variant.
Genome position (GRCh38, 1-based): chr12:69,610,160, C>T on the plus strand (G>A on the coding strand, the complement: LRRC10 is on the minus strand). VCF-style: chr12-69610160-C-T. GRCh37 (hg19) VCF-style: chr12-70003940-C-T.
Other names: c.679G>A (NM_201550.2); short protein forms A227T.
Identifiers: ClinVar variation 1483153 (VCV001483153.9), dbSNP rs778412060, ClinGen allele CA385735627.